The following is an entry in ClinVar:

NM_014946.4(SPAST):c.*2264G>A

Gene: SPAST (spastin; plus strand). Cytogenetic location: 2p22.3.
Variant type: single nucleotide variant.
Coding change: c.*2264G>A on transcript NM_014946.4 (MANE Select); 2264 bases downstream of the stop codon, G replaced by A.
Molecular consequence: 3 prime UTR variant.
Genome position (GRCh38, 1-based): chr2:32,156,760, G>A. VCF-style: chr2-32156760-G-A. GRCh37 (hg19) VCF-style: chr2-32381829-G-A.
Other names: c.*2264G>A (NM_001363823.2, NM_001363875.2, NM_199436.2); c.*2388G>A (NM_001377959.1).
Identifiers: ClinVar variation 335878 (VCV000335878.6), dbSNP rs3769602, ClinGen allele CA10613257.

ClinVar aggregate classification (germline): Benign. Review status: criteria provided, multiple submitters, no conflicts (2 of 4 stars). 2 submissions from 2 submitters: Benign (2). Last evaluated 2018-01-13.

Conditions:
Hereditary spastic paraplegia 4. Also called: Spastic paraplegia 4, autosomal dominant; Spastic Paraplegia 4; Familial spastic paraplegia autosomal dominant 2. Identifiers: Orphanet 100985, MedGen C1866855, MONDO:0008438, OMIM 182601.

Allele frequency attached by ClinVar (database versions not stated): gnomAD 0.37900 and 0.38694; TOPMed 0.39229; 1000 Genomes Project 30x 0.47626; 1000 Genomes Project 0.48003.

Submissions (2):

Illumina Laboratory Services, Illumina
Classification: Benign for Hereditary spastic paraplegia 4. Last evaluated: 2018-01-13. Review status: criteria provided, single submitter. Criteria: ICSL Variant Classification Criteria 13 December 2019. Collection method: clinical testing. Allele origin: germline.
Comment: This variant was observed in the ICSL laboratory as part of a predisposition screen in an ostensibly healthy population. It had not been previously curated by ICSL or reported in the Human Gene Mutation Database (HGMD: prior to June 1st, 2018), and was therefore a candidate for classification through an automated scoring system. Utilizing variant allele frequency, disease prevalence and penetrance estimates, and inheritance mode, an automated score was calculated to assess if this variant is too frequent to cause the disease. Based on the score and internal cut-off values, a variant classified as benign is not then subjected to further curation. The score for this variant resulted in a classification of benign for this disease.

Breakthrough Genomics
Classification: Benign. Review status: criteria provided, single submitter. Criteria: ACMG Guidelines, 2015. Collection method: not provided. Allele origin: germline. Inheritance: Autosomal dominant inheritance. Affected: yes.